The following is an entry in ClinVar:

ClinVar aggregate classification (germline): Conflicting classifications of pathogenicity. Review status: criteria provided, conflicting classifications (1 of 4 stars). 12 submissions from 12 submitters: Uncertain significance (1); Benign (5); Likely benign (5). 1 of the submissions does not count toward it. Last evaluated 2026-09-01.

Conditions:
Hereditary cancer-predisposing syndrome. Also called: Neoplastic Syndromes, Hereditary; Tumor predisposition; Hereditary neoplastic syndrome; Hereditary Cancer Syndrome. Identifiers: Orphanet 140162, MedGen C0027672, MeSH D009386, MONDO:0015356.
Bloom syndrome (BLM). Also called: Bloom-Torre-Machacek syndrome. Identifiers: Orphanet 125, MedGen C0005859, MONDO:0008876, OMIM 210900.

Allele frequency attached by ClinVar (database versions not stated): gnomAD exomes 0.00028 and 0.00072; ExAC 0.00089; gnomAD 0.00286 and 0.00303; 1000 Genomes Project 0.00339; TOPMed 0.00340; 1000 Genomes Project 30x 0.00359; ESP Exome Variant Server 0.00385.
gnomAD v4.1: 859 of 1,612,632 alleles (0.053%); highest among the groups gnomAD compares: African/African-American, 1%; 8 homozygotes.

Submissions (12):

CeGaT Center for Human Genetics Tuebingen
Classification: Likely benign. Last evaluated: 2026-09-01. Review status: criteria provided, single submitter. Criteria: CeGaT Center For Human Genetics Tuebingen Variant Classification Criteria Version 2. Collection method: clinical testing. Allele origin: germline. Affected: yes. Observed: 4 variant alleles.
Comment: BLM: BP4, BP7, BS1

Labcorp Genetics (formerly Invitae), Labcorp
Classification: Benign for Bloom syndrome. Last evaluated: 2026-02-02. Review status: criteria provided, single submitter. Criteria: Invitae Variant Classification Sherloc (09022015). Collection method: clinical testing. Allele origin: germline.

Institute for Biomarker Research, Medical Diagnostic Laboratories, L.L.C.
Classification: Likely benign for Hereditary cancer-predisposing syndrome. Last evaluated: 2025-12-08. Review status: criteria provided, single submitter. Criteria: ACMG Guidelines, 2015. Collection method: clinical testing. Allele origin: germline.
Comment: The synonymous variant NM_000057.4(BLM):c.2160C>T (p.Ile720=) has not been reported previously as a pathogenic variant, to our knowledge (Accession: VCV000136513.34).The p.Ile720= variant is observed in 17/5,008 (0.3395%) alleles from individuals of 1kG All background in 1kG, which is greater than expected for the disorder. The p.Ile720= variant is not predicted to disrupt an existing splice site. The p.Ile720= variant results in a substitution of a base that is not predicted conserved by GERP++ and PhyloP. For these reasons, this variant has been classified as Likely Benign.

Quest Diagnostics Nichols Institute San Juan Capistrano
Classification: Benign. Last evaluated: 2025-08-12. Review status: criteria provided, single submitter. Criteria: Quest Diagnostics criteria. Collection method: clinical testing. Allele origin: unknown.

Blueprint Genetics
Classification: Likely benign. Last evaluated: 2024-02-23. Review status: criteria provided, single submitter. Criteria: ACMG Guidelines, 2015. Collection method: clinical testing. Allele origin: germline.

Women's Health and Genetics/Laboratory Corporation of America, LabCorp
Classification: Likely benign. Last evaluated: 2023-11-17. Review status: criteria provided, single submitter. Criteria: LabCorp Variant Classification Summary - May 2015. Collection method: clinical testing. Allele origin: germline.

Institute for Clinical Genetics, University Hospital TU Dresden, University Hospital TU Dresden
Classification: Uncertain significance. Last evaluated: 2021-11-03. Review status: criteria provided, single submitter. Criteria: ACMG Guidelines, 2015. Collection method: clinical testing. Allele origin: germline.

Illumina Laboratory Services, Illumina
Classification: Likely benign for Bloom syndrome. Last evaluated: 2018-01-12. Review status: criteria provided, single submitter. Criteria: ICSL Variant Classification Criteria 13 December 2019. Collection method: clinical testing. Allele origin: germline.
Comment: This variant was observed in the ICSL laboratory as part of a predisposition screen in an ostensibly healthy population. It had not been previously curated by ICSL or reported in the Human Gene Mutation Database (HGMD: prior to June 1st, 2018), and was therefore a candidate for classification through an automated scoring system. Utilizing variant allele frequency, disease prevalence and penetrance estimates, and inheritance mode, an automated score was calculated to assess if this variant is too frequent to cause the disease. Based on the score and internal cut-off values, a variant classified as likely benign is not then subjected to further curation. The score for this variant resulted in a classification of likely benign for this disease.

Ambry Genetics
Classification: Benign for Hereditary cancer-predisposing syndrome. Last evaluated: 2017-02-17. Review status: criteria provided, single submitter. Criteria: Ambry Variant Classification Scheme 2023. Collection method: clinical testing. Allele origin: germline.

Eurofins Ntd Llc (ga)
Classification: Benign. Last evaluated: 2016-09-14. Review status: criteria provided, single submitter. Criteria: EGL Classification Definitions 2015. Collection method: clinical testing. Allele origin: germline. Observed: 1 variant allele, 1 heterozygote.

GeneDx
Classification: Benign. Last evaluated: 2013-10-29. Review status: criteria provided, single submitter. Criteria: GeneDx Variant Classification (06012015). Collection method: clinical testing. Allele origin: germline. Affected: yes.
Comment: This variant is considered likely benign or benign based on one or more of the following criteria: it is a conservative change, it occurs at a poorly conserved position in the protein, it is predicted to be benign by multiple in silico algorithms, and/or has population frequency not consistent with disease.

Natera, Inc.
Classification: Benign for Bloom syndrome. Last evaluated: 2017-08-09. Review status: no assertion criteria provided. Collection method: clinical testing. Allele origin: germline. Not counted in ClinVar's aggregate classification.

Literature cited by the submitters: PubMed 17407155 (cited by Quest Diagnostics Nichols Institute San Juan Capistrano).

NM_000057.4(BLM):c.2160C>T (p.Ile720=)

Gene: BLM (BLM RecQ like helicase; plus strand). Cytogenetic location: 15q26.1.
Variant type: single nucleotide variant.
Coding change: c.2160C>T on transcript NM_000057.4 (MANE Select); coding-DNA position 2160, C replaced by T.
Protein change: p.Ile720=; no amino-acid change (isoleucine 720 retained).
Molecular consequence: synonymous variant.
Genome position (GRCh38, 1-based): chr15:90,765,381, C>T. VCF-style: chr15-90765381-C-T. GRCh37 (hg19) VCF-style: chr15-91308611-C-T.
Other names: p.I720I:ATC>ATT; c.2160C>T (LRG_20t1); c.2160C>T, p.Ile720= (NM_001287246.2, NM_001287247.2); c.1035C>T, p.Ile345= (NM_001287248.2).
Identifiers: ClinVar variation 136513 (VCV000136513.43), dbSNP rs28385028, ClinGen allele CA289696.